The following is an entry in ClinVar:

NM_001378452.1(ITPR1):c.1092C>G (p.Ile364Met)

Gene: ITPR1 (inositol 1,4,5-trisphosphate receptor type 1; plus strand). Cytogenetic location: 3p26.1.
Variant type: single nucleotide variant.
Coding change: c.1092C>G on transcript NM_001378452.1 (MANE Select); coding-DNA position 1092, C replaced by G.
Protein change: p.Ile364Met; replaces isoleucine 364 with methionine.
Molecular consequence: missense variant.
Genome position (GRCh38, 1-based): chr3:4,658,219, C>G. VCF-style: chr3-4658219-C-G. GRCh37 (hg19) VCF-style: chr3-4699903-C-G.
Other names: c.1092C>G, p.Ile364Met (NM_001099952.4); c.1047C>G, p.Ile349Met (NM_001168272.2, NM_002222.7); short protein forms I349M, I364M.
Identifiers: ClinVar variation 1806539 (VCV001806539.1), dbSNP rs2093756661, ClinGen allele CA351639786.

ClinVar aggregate classification (germline): Uncertain significance (1 of 4 stars; one submission).

Allele frequency attached by ClinVar (database versions not stated): gnomAD exomes below 0.00001.
gnomAD v4.1: 1 of 1,613,722 alleles (0.000062%); highest among the groups gnomAD compares: Non-Finnish European, 0.000085%; no homozygotes.

Submission:

GeneDx
Classification: Uncertain significance. Last evaluated: 2022-06-23. Review status: criteria provided, single submitter. Criteria: GeneDx Variant Classification Process June 2021. Collection method: clinical testing. Allele origin: germline. Affected: yes.
Comment: Not observed at significant frequency in large population cohorts (gnomAD); In silico analysis supports that this missense variant has a deleterious effect on protein structure/function; Has not been previously published as pathogenic or benign to our knowledge